The following is an entry in ClinVar:

ClinVar aggregate classification (germline): Uncertain significance. Review status: criteria provided, multiple submitters, no conflicts (2 of 4 stars). 5 submissions from 5 submitters: Uncertain significance (3). 2 of the submissions do not count toward it. Last evaluated 2025-07-13.

Conditions:
Autosomal dominant nonsyndromic hearing loss 6 (LFSNHL). Also called: Autosomal dominant nonsyndromic deafness 6; DEAFNESS, AUTOSOMAL DOMINANT 6; DEAFNESS, AUTOSOMAL DOMINANT 14; DEAFNESS, AUTOSOMAL DOMINANT 38. Identifiers: Orphanet 90635, MedGen C1833021, MONDO:0010963, OMIM 600965.
Type 2 diabetes mellitus. Also called: Type II diabetes mellitus. Identifiers: MedGen C0011860, MeSH D003924, MONDO:0005148, OMIM 125853, HP:0005978.
Wolfram-like syndrome. Also called: HEARING LOSS, PROGRESSIVE, WITH OPTIC ATROPHY AND/OR IMPAIRED GLUCOSE REGULATION. Identifiers: Orphanet 411590, MedGen C3280358, MONDO:0013673, OMIM 614296.
Cataract 41 (CTRCT41). Also called: CATARACT 41, CONGENITAL NUCLEAR TYPE. Identifiers: Orphanet 91492, Orphanet 98991, Orphanet 98992, Orphanet 98995, MedGen C3805412, MONDO:0007287, OMIM 116400.
Wolfram syndrome 1 (WFS1). Identifiers: Orphanet 3463, MedGen C4551693, MONDO:0009101, OMIM 222300.

Allele frequency attached by ClinVar (database versions not stated): ExAC 0.00001; gnomAD exomes 0.00001 and 0.00003; TOPMed 0.00003.
gnomAD v4.1: 49 of 1,606,534 alleles (0.0031%); highest among the groups gnomAD compares: Non-Finnish European, 0.0039%; no homozygotes.

Submissions (7):

Labcorp Genetics (formerly Invitae), Labcorp
Classification: Uncertain significance. Last evaluated: 2025-07-13. Review status: criteria provided, single submitter. Criteria: Invitae Variant Classification Sherloc (09022015). Collection method: clinical testing. Allele origin: germline.
Comment: This sequence change replaces glutamic acid, which is acidic and polar, with lysine, which is basic and polar, at codon 237 of the WFS1 protein (p.Glu237Lys). This variant is present in population databases (rs763480468, gnomAD 0.003%). This missense change has been observed in individual(s) with WFS1-related conditions (PMID: 15234338). ClinVar contains an entry for this variant (Variation ID: 1284264). Invitae Evidence Modeling of protein sequence and biophysical properties (such as structural, functional, and spatial information, amino acid conservation, physicochemical variation, residue mobility, and thermodynamic stability) has been performed for this missense variant. However, the output from this modeling did not meet the statistical confidence thresholds required to predict the impact of this variant on WFS1 protein function. In summary, the available evidence is currently insufficient to determine the role of this variant in disease. Therefore, it has been classified as a Variant of Uncertain Significance.

Fulgent Genetics
Classification: Uncertain significance for Cataract 41; Type 2 diabetes mellitus; Wolfram syndrome 1; Autosomal dominant nonsyndromic hearing loss 6; Wolfram-like syndrome. Last evaluated: 2024-02-28. Review status: criteria provided, single submitter. Criteria: ACMG Guidelines, 2015. Collection method: clinical testing. Allele origin: germline.

GeneDx
Classification: Uncertain significance. Last evaluated: 2019-08-12. Review status: criteria provided, single submitter. Criteria: GeneDx Variant Classification Process June 2021. Collection method: clinical testing. Allele origin: germline. Affected: yes.
Comment: Not observed at a significant frequency in large population cohorts (Lek et al., 2016); In silico analysis, which includes protein predictors and evolutionary conservation, supports that this variant does not alter protein structure/function; Observed in a patient with type 2 diabetes mellitus in published literature (Kawamoto et al., 2004); This variant is associated with the following publications: (PMID: 15234338)

Clinical Genetics DNA and cytogenetics Diagnostics Lab, Erasmus MC, Erasmus Medical Center
Classification: Uncertain significance. Review status: no assertion criteria provided. Collection method: clinical testing. Allele origin: germline. Affected: yes. Study: VKGL Data-share Consensus. Not counted in ClinVar's aggregate classification.

Clinical Genetics, Academic Medical Center
Classification: Uncertain significance. Review status: no assertion criteria provided. Collection method: clinical testing. Allele origin: germline. Affected: yes. Study: VKGL Data-share Consensus. Not counted in ClinVar's aggregate classification.

Dr. Peter K. Rogan Lab, Western University
No classification provided (evidence only). Condition: Thyroid cancer, nonmedullary, 1. Review status: no classification provided. Collection method: in vitro. Allele origin: not applicable. Functional consequence: retained intron. Not counted in ClinVar's aggregate classification.

Dr. Peter K. Rogan Lab, Western University
No classification provided (evidence only). Condition: Ovarian serous cystadenocarcinoma. Review status: no classification provided. Collection method: in vitro. Allele origin: not applicable. Functional consequence: retained intron. Not counted in ClinVar's aggregate classification.

Literature cited by the submitters: PubMed 15234338 (cited by Labcorp Genetics (formerly Invitae), Labcorp).

NM_006005.3(WFS1):c.709G>A (p.Glu237Lys)

Gene: WFS1 (wolframin ER transmembrane glycoprotein; plus strand). Cytogenetic location: 4p16.1.
Variant type: single nucleotide variant.
Coding change: c.709G>A on transcript NM_006005.3 (MANE Select); coding-DNA position 709, G replaced by A.
Protein change: p.Glu237Lys; replaces glutamic acid 237 with lysine.
Molecular consequence: missense variant.
Genome position (GRCh38, 1-based): chr4:6,291,994, G>A. VCF-style: chr4-6291994-G-A. GRCh37 (hg19) VCF-style: chr4-6293721-G-A.
Other names: c.709G>A, p.Glu237Lys (NM_001145853.1); short protein forms E237K.
Identifiers: ClinVar variation 1284264 (VCV001284264.10), dbSNP rs763480468, ClinGen allele CA2839001.